The following is an entry in ClinVar:

ClinVar aggregate classification (germline): Uncertain significance. Review status: criteria provided, multiple submitters, no conflicts (2 of 4 stars). 4 submissions from 4 submitters: Uncertain significance (4). Last evaluated 2025-04-01.

Conditions:
Developmental and epileptic encephalopathy, 18 (DEE18). Also called: Early infantile epileptic encephalopathy 18. Identifiers: Orphanet 369894, MedGen C3809624, MONDO:0014201, OMIM 615476.
Inborn genetic diseases. Identifiers: MedGen C0950123, MeSH D030342.

gnomAD v4.1: 2 of 1,614,012 alleles (0.00012%); highest among the groups gnomAD compares: Non-Finnish European, 0.00017%; no homozygotes.

Submissions (4):

Ambry Genetics
Classification: Uncertain significance for Inborn genetic diseases. Last evaluated: 2025-04-01. Review status: criteria provided, single submitter. Criteria: Ambry Variant Classification Scheme 2023. Collection method: clinical testing. Allele origin: germline.

Institute of Human Genetics, University of Leipzig Medical Center
Classification: Uncertain significance for Developmental and epileptic encephalopathy, 18. Last evaluated: 2023-12-18. Review status: criteria provided, single submitter. Criteria: ACMG Guidelines, 2015. Collection method: clinical testing. Allele origin: unknown. Inheritance: Autosomal recessive inheritance. Affected: yes.
Comment: Criteria applied: PS4_SUP,PM2_SUP

Blueprint Genetics
Classification: Uncertain significance. Last evaluated: 2023-09-16. Review status: criteria provided, single submitter. Criteria: ACMG Guidelines, 2015. Collection method: clinical testing. Allele origin: germline.

Labcorp Genetics (formerly Invitae), Labcorp
Classification: Uncertain significance. Last evaluated: 2021-10-22. Review status: criteria provided, single submitter. Criteria: Invitae Variant Classification Sherloc (09022015). Collection method: clinical testing. Allele origin: germline.
Comment: Algorithms developed to predict the effect of missense changes on protein structure and function are either unavailable or do not agree on the potential impact of this missense change (SIFT: "Tolerated"; PolyPhen-2: "Probably Damaging"; Align-GVGD: "Class C0"). This variant has not been reported in the literature in individuals with SZT2-related conditions. This variant is not present in population databases (ExAC no frequency). This sequence change replaces serine with threonine at codon 62 of the SZT2 protein (p.Ser62Thr). The serine residue is weakly conserved and there is a small physicochemical difference between serine and threonine. In summary, the available evidence is currently insufficient to determine the role of this variant in disease. Therefore, it has been classified as a Variant of Uncertain Significance.

NM_001365999.1(SZT2):c.185G>C (p.Ser62Thr)

Gene: SZT2 (SZT2 subunit of KICSTOR complex; plus strand). Cytogenetic location: 1p34.2.
Variant type: single nucleotide variant.
Coding change: c.185G>C on transcript NM_001365999.1 (MANE Select); coding-DNA position 185, G replaced by C.
Protein change: p.Ser62Thr; replaces serine 62 with threonine.
Molecular consequence: missense variant.
Genome position (GRCh38, 1-based): chr1:43,403,632, G>C. VCF-style: chr1-43403632-G-C. GRCh37 (hg19) VCF-style: chr1-43869303-G-C.
Other names: c.185G>C, p.Ser62Thr (NM_015284.4); c.185G>C (NM_015284.3); short protein forms S62T.
Identifiers: ClinVar variation 1400979 (VCV001400979.9), dbSNP rs2153929670, ClinGen allele CA339995721.
Genomic context (GRCh38, chr1:43,403,632, plus strand): 5'-TTTCCTTTTCTTTCCATCCTAATTTTCAGCTTCAGTCTGAACAGGAATTGGAAGTCCTCA[G>C]TGTCCTGCCCCCTGGGTGGCAGCCAGATGAACCAGTGGTCCCAAGGCCATTCCTCCTGGT-3'
Protein context (NP_001352928.1, residues 52-72): LQSEQELEVL[Ser62Thr]VLPPGWQPDE